The following is an entry in ClinVar:

ClinVar aggregate classification (germline): Likely benign (1 of 4 stars; one submission).

Submission:

CeGaT Center for Human Genetics Tuebingen
Classification: Likely benign. Last evaluated: 2024-11-01. Review status: criteria provided, single submitter. Criteria: CeGaT Center For Human Genetics Tuebingen Variant Classification Criteria Version 2. Collection method: clinical testing. Allele origin: germline. Affected: yes. Observed: 1 variant allele.
Comment: FGFR2: PM2:Supporting, BP4, BP7

NM_000141.5(FGFR2):c.1854T>C (p.Ala618=)

Gene: FGFR2 (fibroblast growth factor receptor 2; minus strand). Cytogenetic location: 10q26.13.
Variant type: single nucleotide variant.
Coding change: c.1854T>C on transcript NM_000141.5 (MANE Select); coding-DNA position 1854, T replaced by C.
Protein change: p.Ala618=; no amino-acid change (alanine 618 retained).
Molecular consequence: synonymous variant. On other transcripts: non-coding transcript variant (1).
Genome position (GRCh38, 1-based): chr10:121,496,541, A>G on the plus strand (T>C on the coding strand, the complement: FGFR2 is on the minus strand). VCF-style: chr10-121496541-A-G. GRCh37 (hg19) VCF-style: chr10-123256055-A-G.
Other names: c.1857T>C, p.Ala619= (NM_001144913.1, NM_022970.4); c.1518T>C, p.Ala506= (NM_001144914.1); c.1587T>C, p.Ala529= (NM_001144915.2, NM_023029.3); c.1509T>C, p.Ala503= (NM_001144916.2); c.1506T>C, p.Ala502= (NM_001144917.2); c.1503T>C, p.Ala501= (NM_001144918.2); c.1590T>C, p.Ala530= (NM_001144919.2); c.1170T>C, p.Ala390= (NM_001320654.2); and 1 more.
Identifiers: ClinVar variation 3388474 (VCV003388474.14).